The following is an entry in ClinVar:

NM_000051.4(ATM):c.4109+2T>C

Gene: ATM (ATM serine/threonine kinase; plus strand). Cytogenetic location: 11q22.3.
Variant type: single nucleotide variant.
Coding change: c.4109+2T>C on transcript NM_000051.4 (MANE Select); the canonical splice donor site of the intron after coding-DNA position 4109, T replaced by C.
Molecular consequence: splice donor variant.
Genome position (GRCh38, 1-based): chr11:108,287,717, T>C. VCF-style: chr11-108287717-T-C. GRCh37 (hg19) VCF-style: chr11-108158444-T-C.
Other names: c.4109+2T>C (NM_001351834.2).
Identifiers: ClinVar variation 3148068 (VCV003148068.1), dbSNP rs2135738163, ClinGen allele CA382528756.

ClinVar aggregate classification (germline): Likely pathogenic (1 of 4 stars; one submission).

Conditions:
Familial cancer of breast. Also called: BREAST CANCER, FAMILIAL; Hereditary breast cancer; hereditary breast carcinoma. Identifiers: Orphanet 227535, MedGen C0346153, MONDO:0016419, OMIM 114480. Disease mechanism: loss of function.

Submission:

Myriad Genetics, Inc.
Classification: Likely pathogenic for Familial cancer of breast. Last evaluated: 2024-01-23. Review status: criteria provided, single submitter. Criteria: Myriad Autosomal Dominant, Autosomal Recessive and X-Linked Classification Criteria (2023). Collection method: clinical testing. Allele origin: unknown.
Comment: This variant is considered likely pathogenic. This variant occurs within a consensus splice junction and is predicted to result in abnormal mRNA splicing of either an out-of-frame exon or an in-frame exon necessary for protein stability and/or normal function.